The following is an entry in ClinVar:

NM_006415.4(SPTLC1):c.21G>C (p.Gln7His)

Gene: SPTLC1 (serine palmitoyltransferase long chain base subunit 1; minus strand). Cytogenetic location: 9q22.31.
Variant type: single nucleotide variant.
Coding change: c.21G>C on transcript NM_006415.4 (MANE Select); coding-DNA position 21, G replaced by C.
Protein change: p.Gln7His; replaces glutamine 7 with histidine.
Molecular consequence: missense variant. On other transcripts: 5 prime UTR variant (2).
Genome position (GRCh38, 1-based): chr9:92,115,350, C>G on the plus strand (G>C on the coding strand, the complement: SPTLC1 is on the minus strand). VCF-style: chr9-92115350-C-G. GRCh37 (hg19) VCF-style: chr9-94877632-C-G.
Other names: c.21G>C, p.Gln7His (NM_001281303.2, NM_178324.3); c.-479G>C (NM_001368272.1); c.-590G>C (NM_001368273.1); short protein forms Q7H.
Identifiers: ClinVar variation 3002330 (VCV003002330.3), dbSNP rs2538540295, ClinGen allele CA373797613.

ClinVar aggregate classification (germline): Uncertain significance (1 of 4 stars; one submission).

Conditions:
Hereditary sensory and autonomic neuropathy type 1 (HSAN1). Also called: HSAN 1; HSN Type I; Hereditary Sensory Neuropathy Type I. Identifiers: Orphanet 36386, MedGen C0020071, MONDO:0018213.

Allele frequency attached by ClinVar (database versions not stated): gnomAD exomes below 0.00001.
gnomAD v4.1: 1 of 1,613,002 alleles (0.000062%); highest among the groups gnomAD compares: Non-Finnish European, 0.000085%; no homozygotes.

Submission:

Labcorp Genetics (formerly Invitae), Labcorp
Classification: Uncertain significance for Hereditary sensory and autonomic neuropathy type 1. Last evaluated: 2023-07-06. Review status: criteria provided, single submitter. Criteria: Invitae Variant Classification Sherloc (09022015). Collection method: clinical testing. Allele origin: germline.
Comment: In summary, the available evidence is currently insufficient to determine the role of this variant in disease. Therefore, it has been classified as a Variant of Uncertain Significance. An algorithm developed to predict the effect of missense changes on protein structure and function (PolyPhen-2) suggests that this variant is likely to be tolerated. This variant has not been reported in the literature in individuals affected with SPTLC1-related conditions. This variant is not present in population databases (gnomAD no frequency). This sequence change replaces glutamine, which is neutral and polar, with histidine, which is basic and polar, at codon 7 of the SPTLC1 protein (p.Gln7His).